The following is an entry in ClinVar:

ClinVar aggregate classification (germline): Likely benign (1 of 4 stars; one submission).

Conditions:
Retinoblastoma (RB1). Also called: RETINOBLASTOMA, SOMATIC. Identifiers: Orphanet 790, MedGen C0035335, MeSH D012175, MONDO:0008380, OMIM 180200, HP:0009919. Disease mechanism: loss of function. Inheritance: Both sporadic and heritable forms are tested..

Submission:

Myriad Genetics, Inc.
Classification: Likely benign for Retinoblastoma. Last evaluated: 2026-06-18. Review status: criteria provided, single submitter. Criteria: Myriad Autosomal Dominant, Autosomal Recessive and X-Linked Classification Criteria (2023). Collection method: clinical testing. Allele origin: unknown.
Comment: This variant is considered likely benign. This variant is intronic and is not expected to impact mRNA splicing.

NM_000321.3(RB1):c.1390-17_1390-14delinsAAAT

Gene: RB1 (RB transcriptional corepressor 1; plus strand). Cytogenetic location: 13q14.2.
Variant type: Indel.
Coding change: c.1390-17_1390-14delinsAAAT on transcript NM_000321.3 (MANE Select); 17 bases into the intron before coding-DNA position 1390 through 14 bases into the intron before coding-DNA position 1390, TAAA replaced by AAAT.
Molecular consequence: intron variant.
Genome position (GRCh38, 1-based): chr13:48,380,036-48,380,039, TAAA replaced by AAAT. VCF-style: chr13-48380036-TAAA-AAAT. GRCh37 (hg19) VCF-style: chr13-48954172-TAAA-AAAT.
Other names: c.1390-17_1390-14delinsAAAT (NM_001407165.1, NM_001407166.1).
Identifiers: ClinVar variation 4875982 (VCV004875982.1).